The following is an entry in ClinVar:

NM_133497.4(KCNV2):c.1408G>A (p.Gly470Ser)

Gene: KCNV2 (potassium voltage-gated channel modifier subfamily V member 2; plus strand). Cytogenetic location: 9p24.2.
Variant type: single nucleotide variant.
Coding change: c.1408G>A on transcript NM_133497.4 (MANE Select); coding-DNA position 1408, G replaced by A.
Protein change: p.Gly470Ser; replaces glycine 470 with serine.
Molecular consequence: missense variant.
Genome position (GRCh38, 1-based): chr9:2,729,497, G>A. VCF-style: chr9-2729497-G-A. GRCh37 (hg19) VCF-style: chr9-2729497-G-A.
Other names: c.1408G>A (NM_133497.3); short protein forms G470S.
Identifiers: ClinVar variation 493488 (VCV000493488.48), dbSNP rs990370382, ClinGen allele CA187990009.
Genomic context (GRCh38, chr9:2,729,497, plus strand): 5'-CCTCTACAGGTGAGCATCTCCACCGTGGGCTACGGAGACATGTACCCAGAGACCCACCTG[G>A]GCAGGTTTTTTGCCTTCCTCTGCATTGCTTTTGGGATCATTCTCAACGGGATGCCCATTT-3'
Protein context (NP_598004.1, residues 460-480): YGDMYPETHL[Gly470Ser]RFFAFLCIAF

ClinVar aggregate classification (germline): Uncertain significance. Review status: criteria provided, multiple submitters, no conflicts (2 of 4 stars). 5 submissions from 5 submitters: Uncertain significance (4). 1 of the submissions does not count toward it. Last evaluated 2024-10-14.

Conditions:
Inborn genetic diseases. Identifiers: MedGen C0950123, MeSH D030342.
Retinal dystrophy. Also called: Inherited retinal dystrophy. Identifiers: Orphanet 71862, MedGen C0854723, MeSH D058499, MONDO:0019118, HP:0000556.

Allele frequency attached by ClinVar (database versions not stated): TOPMed 0.00001; gnomAD 0.00002; gnomAD exomes 0.00001.
gnomAD v4.1: 6 of 1,613,938 alleles (0.00037%); highest among the groups gnomAD compares: Non-Finnish European, 0.00051%; no homozygotes.

Submissions (5):

Blueprint Genetics
Classification: Uncertain significance. Last evaluated: 2024-10-14. Review status: criteria provided, single submitter. Criteria: ACMG Guidelines, 2015. Collection method: clinical testing. Allele origin: germline.

Labcorp Genetics (formerly Invitae), Labcorp
Classification: Uncertain significance. Last evaluated: 2022-11-22. Review status: criteria provided, single submitter. Criteria: Invitae Variant Classification Sherloc (09022015). Collection method: clinical testing. Allele origin: germline.
Comment: In summary, the available evidence is currently insufficient to determine the role of this variant in disease. Therefore, it has been classified as a Variant of Uncertain Significance. This variant disrupts the p.Gly470 amino acid residue in KCNV2. Other variant(s) that disrupt this residue have been observed in individuals with KCNV2-related conditions (PMID: 26992781, 33090715), which suggests that this may be a clinically significant amino acid residue. Advanced modeling of protein sequence and biophysical properties (such as structural, functional, and spatial information, amino acid conservation, physicochemical variation, residue mobility, and thermodynamic stability) performed at Invitae indicates that this missense variant is expected to disrupt KCNV2 protein function. ClinVar contains an entry for this variant (Variation ID: 493488). This variant has not been reported in the literature in individuals affected with KCNV2-related conditions. This variant is present in population databases (no rsID available, gnomAD 0.007%). This sequence change replaces glycine, which is neutral and non-polar, with serine, which is neutral and polar, at codon 470 of the KCNV2 protein (p.Gly470Ser).

Ambry Genetics
Classification: Uncertain significance for Inborn genetic diseases. Last evaluated: 2022-03-22. Review status: criteria provided, single submitter. Criteria: Ambry Variant Classification Scheme 2023. Collection method: clinical testing. Allele origin: germline.

CeGaT Center for Human Genetics Tuebingen
Classification: Uncertain significance. Last evaluated: 2017-07-01. Review status: criteria provided, single submitter. Criteria: CeGaT Center For Human Genetics Tuebingen Variant Classification Criteria Version 2. Collection method: clinical testing. Allele origin: germline. Affected: yes. Observed: 1 variant allele.

Institute of Human Genetics, Univ. Regensburg, Univ. Regensburg
Classification: Likely pathogenic for Retinal dystrophy. Last evaluated: 2021-01-01. Review status: no assertion criteria provided. Criteria: ACMG Guidelines, 2015. Collection method: clinical testing. Allele origin: germline. Affected: yes. Not counted in ClinVar's aggregate classification.

Literature cited by the submitters: PubMed 26992781 (cited by Labcorp Genetics (formerly Invitae), Labcorp); PubMed 33090715 (cited by Labcorp Genetics (formerly Invitae), Labcorp).